The following is an entry in ClinVar:

ClinVar aggregate classification (germline): Pathogenic/Likely pathogenic. Review status: criteria provided, multiple submitters, no conflicts (2 of 4 stars). 2 submissions from 2 submitters: Pathogenic (1); Likely pathogenic (1). Last evaluated 2026-05-18.

Conditions:
Hereditary cancer-predisposing syndrome. Also called: Hereditary Cancer Syndrome; Hereditary neoplastic syndrome; Neoplastic Syndromes, Hereditary; Tumor predisposition. Identifiers: Orphanet 140162, MedGen C0027672, MeSH D009386, MONDO:0015356.
Juvenile polyposis syndrome (JPS). Identifiers: Orphanet 2929, MedGen C0345893, MONDO:0017380, OMIM 174900.

Submissions (2):

Ambry Genetics
Classification: Likely pathogenic for Hereditary cancer-predisposing syndrome. Last evaluated: 2026-05-18. Review status: criteria provided, single submitter. Criteria: Ambry Variant Classification Scheme 2023. Collection method: clinical testing. Allele origin: germline.
Comment: The c.1473+1G>C intronic variant results from a G to C substitution one nucleotide after coding exon 10 of the BMPR1A gene. This variant occurs at the 3' terminus of the gene, is not expected to trigger nonsense-mediated mRNA decay, and only impacts the last 16% of the protein. The exact functional effect of this variant is unknown; however, the region predicted to be impacted is critical for protein function a significant portion of the protein is affected (Ambry internal data). This variant is considered to be rare based on population cohorts in the Genome Aggregation Database (gnomAD). This nucleotide position is highly conserved in available vertebrate species. In silico splice site analysis predicts that this alteration will weaken the native splice donor site. Based on the majority of available evidence to date, this variant is likely to be pathogenic.

Labcorp Genetics (formerly Invitae), Labcorp
Classification: Pathogenic for Juvenile polyposis syndrome. Last evaluated: 2024-10-15. Review status: criteria provided, single submitter. Criteria: Invitae Variant Classification Sherloc (09022015). Collection method: clinical testing. Allele origin: germline.
Comment: This sequence change affects a donor splice site in intron 12 of the BMPR1A gene. While this variant is not anticipated to result in nonsense mediated decay, it likely alters RNA splicing and results in a disrupted protein product. This variant is not present in population databases (gnomAD no frequency). This variant has not been reported in the literature in individuals affected with BMPR1A-related conditions. Variants that disrupt the consensus splice site are a relatively common cause of aberrant splicing (PMID: 17576681, 9536098). Algorithms developed to predict the effect of sequence changes on RNA splicing suggest that this variant may disrupt the consensus splice site. This variant disrupts a region of the BMPR1A protein in which other variant(s) (p.Trp504*) have been determined to be pathogenic (internal data). This suggests that this is a clinically significant region of the protein, and that variants that disrupt it are likely to be disease-causing. For these reasons, this variant has been classified as Pathogenic.

Literature cited by the submitters: PubMed 17576681 (cited by Labcorp Genetics (formerly Invitae), Labcorp); PubMed 9536098 (cited by Labcorp Genetics (formerly Invitae), Labcorp).

NM_004329.3(BMPR1A):c.1473+1G>C

Gene: BMPR1A (bone morphogenetic protein receptor type 1A; plus strand). Cytogenetic location: 10q23.2.
Variant type: single nucleotide variant.
Coding change: c.1473+1G>C on transcript NM_004329.3 (MANE Select); the canonical splice donor site of the intron after coding-DNA position 1473, G replaced by C.
Molecular consequence: splice donor variant.
Genome position (GRCh38, 1-based): chr10:86,923,507, G>C. VCF-style: chr10-86923507-G-C. GRCh37 (hg19) VCF-style: chr10-88683264-G-C.
Other names: c.1473+1G>C (NM_001406562.1, NM_001406568.1, NM_001406567.1 and 20 more transcripts); c.1389+1G>C (NM_001406584.1, NM_001406588.1, NM_001406587.1 and 2 more transcripts); c.1521+1G>C (NM_001406560.1); c.1548+1G>C (NM_001406559.1); c.1467+1G>C (NM_001406583.1); c.1131+1G>C (NM_001406589.1).
Identifiers: ClinVar variation 3705414 (VCV003705414.3).
Genomic context (GRCh38, chr10:86,923,507, plus strand): 5'-GAGGTTGTGTGTGTCAAACGTTTGCGGCCAATTGTGTCTAATCGGTGGAACAGTGATGAA[G>C]TGAGTGGAACTCAGTCCCCTGAAGAAGTGATTCGTAAATGCCACCAAATATATTCTCTGC-3'